The following is an entry in ClinVar:

NM_017777.4(MKS1):c.934C>T (p.Arg312Trp)

Gene: MKS1 (MKS transition zone complex subunit 1; minus strand). Cytogenetic location: 17q22.
Variant type: single nucleotide variant.
Coding change: c.934C>T on transcript NM_017777.4 (MANE Select); coding-DNA position 934, C replaced by T.
Protein change: p.Arg312Trp; replaces arginine 312 with tryptophan.
Molecular consequence: missense variant.
Genome position (GRCh38, 1-based): chr17:58,211,004, G>A on the plus strand (C>T on the coding strand, the complement: MKS1 is on the minus strand). VCF-style: chr17-58211004-G-A. GRCh37 (hg19) VCF-style: chr17-56288365-G-A.
Other names: c.325C>T, p.Arg109Trp (NM_001321268.2); c.934C>T, p.Arg312Trp (NM_001321269.2, NM_001330397.2, NM_001411113.1); short protein forms R312W, R109W.
Identifiers: ClinVar variation 2176261 (VCV002176261.7), dbSNP rs767763740, ClinGen allele CA8669342.

ClinVar aggregate classification (germline): Uncertain significance. Review status: criteria provided, multiple submitters, no conflicts (2 of 4 stars). 4 submissions from 4 submitters: Uncertain significance (4). Last evaluated 2025-07-07.

Conditions:
Meckel-Gruber syndrome. Also called: DYSENCEPHALIA SPLANCHNOCYSTICA; GRUBER SYNDROME; Dysencephalia splachnocystica. Identifiers: Orphanet 564, MedGen C0265215, MONDO:0018921.
Joubert syndrome. Also called: JOUBERT-BOLTSHAUSER SYNDROME; Familial aplasia of the vermis. Identifiers: Orphanet 475, MedGen C5979921, MONDO:0018772.
Inborn genetic diseases. Identifiers: MedGen C0950123, MeSH D030342.
MKS1-related disorder. Also called: MKS1-related disorders; MKS1-related condition. Identifiers: MedGen CN239382.

Allele frequency attached by ClinVar (database versions not stated): ExAC 0.00001; gnomAD exomes 0.00001; TOPMed 0.00004; gnomAD 0.00007.
gnomAD v4.1: 32 of 1,613,920 alleles (0.002%); highest among the groups gnomAD compares: South Asian, 0.0088%; no homozygotes.

Submissions (4):

Labcorp Genetics (formerly Invitae), Labcorp
Classification: Uncertain significance for Joubert syndrome; Meckel-Gruber syndrome. Last evaluated: 2025-07-07. Review status: criteria provided, single submitter. Criteria: Invitae Variant Classification Sherloc (09022015). Collection method: clinical testing. Allele origin: germline.
Comment: This sequence change replaces arginine, which is basic and polar, with tryptophan, which is neutral and slightly polar, at codon 312 of the MKS1 protein (p.Arg312Trp). This variant is present in population databases (rs767763740, gnomAD 0.01%). This variant has not been reported in the literature in individuals affected with MKS1-related conditions. ClinVar contains an entry for this variant (Variation ID: 2176261). Invitae Evidence Modeling of protein sequence and biophysical properties (such as structural, functional, and spatial information, amino acid conservation, physicochemical variation, residue mobility, and thermodynamic stability) indicates that this missense variant is expected to disrupt MKS1 protein function with a positive predictive value of 80%. Algorithms developed to predict the effect of sequence changes on RNA splicing suggest that this variant may disrupt the consensus splice site. In summary, the available evidence is currently insufficient to determine the role of this variant in disease. Therefore, it has been classified as a Variant of Uncertain Significance.

PreventionGenetics, part of Exact Sciences
Classification: Uncertain significance for MKS1-related condition. Last evaluated: 2025-01-23. Review status: criteria provided, single submitter. Criteria: ACMG Guidelines, 2015. Collection method: clinical testing. Allele origin: germline.
Comment: The MKS1 c.934C>T variant is predicted to result in the amino acid substitution p.Arg312Trp. To our knowledge, this variant has not been reported in the literature. This variant is reported in 0.0098% of alleles in individuals of South Asian descent in gnomAD. At this time, the clinical significance of this variant is uncertain due to the absence of conclusive functional and genetic evidence.

Ambry Genetics
Classification: Uncertain significance for Inborn genetic diseases. Last evaluated: 2023-12-21. Review status: criteria provided, single submitter. Criteria: Ambry Variant Classification Scheme 2023. Collection method: clinical testing. Allele origin: germline.

Revvity Omics, Revvity
Classification: Uncertain significance. Last evaluated: 2020-07-30. Review status: criteria provided, single submitter. Criteria: ACMG Guidelines, 2015. Collection method: clinical testing. Allele origin: germline.